The following is an entry in ClinVar:

ClinVar aggregate classification (germline): Likely benign. Review status: criteria provided, multiple submitters, no conflicts (2 of 4 stars). 2 submissions from 2 submitters: Likely benign (2). Last evaluated 2026-07-13.

Conditions:
Bardet-Biedl syndrome (BBS). Identifiers: Orphanet 110, MedGen C0752166, MONDO:0015229.
TTC8-related disorder. Also called: TTC8-related condition.

Allele frequency attached by ClinVar (database versions not stated): gnomAD exomes 0.00001.
gnomAD v4.1: 19 of 1,608,438 alleles (0.0012%); highest among the groups gnomAD compares: Non-Finnish European, 0.0014%; no homozygotes.

Submissions (2):

PreventionGenetics, part of Exact Sciences
Classification: Likely benign for TTC8-related condition. Last evaluated: 2026-07-13. Review status: criteria provided, single submitter. Criteria: ACMG Guidelines, 2015. Collection method: clinical testing. Allele origin: germline.
Comment: This variant is classified as likely benign based on ACMG/AMP sequence variant interpretation guidelines (Richards et al. 2015 PMID: 25741868, with internal and published modifications).

Labcorp Genetics (formerly Invitae), Labcorp
Classification: Likely benign for Bardet-Biedl syndrome. Last evaluated: 2022-06-07. Review status: criteria provided, single submitter. Criteria: Invitae Variant Classification Sherloc (09022015). Collection method: clinical testing. Allele origin: germline.

NM_144596.4(TTC8):c.114+7G>C

Gene: TTC8 (tetratricopeptide repeat domain 8; plus strand). Cytogenetic location: 14q31.3.
Variant type: single nucleotide variant.
Coding change: c.114+7G>C on transcript NM_144596.4 (MANE Select); 7 bases into the intron after coding-DNA position 114, G replaced by C.
Molecular consequence: intron variant.
Genome position (GRCh38, 1-based): chr14:88,824,828, G>C. VCF-style: chr14-88824828-G-C. GRCh37 (hg19) VCF-style: chr14-89291172-G-C.
Other names: c.114+7G>C (NM_144596.3, NM_001288781.1, NM_198309.3 and 3 more transcripts); c.-449+7G>C (NM_001288782.1); c.-544+7G>C (NM_001288783.1).
Identifiers: ClinVar variation 2083362 (VCV002083362.5), dbSNP rs1216227769, ClinGen allele CA615690557.
Genomic context (GRCh38, chr14:88,824,828, plus strand): 5'-CAGCTCTGCGCCGATCTATGCACGCAGATGCTGGAGAAGTCCCCTTATGACCAGGTACCG[G>C]CCAGCTCCCGTCAGCCTGTGCATCCTGACGCTGAGGCTGCGGGGTCTGGGGCATATCCCA-3'